The following is an entry in ClinVar:

ClinVar aggregate classification (germline): Uncertain significance (1 of 4 stars; one submission).

Conditions:
Hereditary cancer-predisposing syndrome. Also called: Neoplastic Syndromes, Hereditary; Tumor predisposition; Hereditary Cancer Syndrome; Hereditary neoplastic syndrome. Identifiers: Orphanet 140162, MedGen C0027672, MeSH D009386, MONDO:0015356.

Submission:

Ambry Genetics
Classification: Uncertain significance for Hereditary cancer-predisposing syndrome. Last evaluated: 2025-11-11. Review status: criteria provided, single submitter. Criteria: Ambry Variant Classification Scheme 2023. Collection method: clinical testing. Allele origin: germline.
Comment: The p.L248V variant (also known as c.742C>G), located in coding exon 5 of the CTNNA1 gene, results from a C to G substitution at nucleotide position 742. The leucine at codon 248 is replaced by valine, an amino acid with highly similar properties. This amino acid position is conserved. In addition, this alteration is predicted to be tolerated by in silico analysis. Based on the available evidence, the clinical significance of this variant remains unclear.

NM_001903.5(CTNNA1):c.742C>G (p.Leu248Val)

Gene: CTNNA1 (catenin alpha 1; plus strand). Cytogenetic location: 5q31.2.
Variant type: single nucleotide variant.
Coding change: c.742C>G on transcript NM_001903.5 (MANE Select); coding-DNA position 742, C replaced by G.
Protein change: p.Leu248Val; replaces leucine 248 with valine.
Molecular consequence: missense variant.
Genome position (GRCh38, 1-based): chr5:138,824,683, C>G. VCF-style: chr5-138824683-C-G. GRCh37 (hg19) VCF-style: chr5-138160372-C-G.
Other names: c.742C>G, p.Leu248Val (NM_001323985.2, NM_001323986.2, NM_001290307.3 and 3 more transcripts); c.433C>G, p.Leu145Val (NM_001290309.3); c.373C>G, p.Leu125Val (NM_001290310.3); short protein forms L125V, L145V, L248V.
Identifiers: ClinVar variation 4635502 (VCV004635502.1).
Genomic context (GRCh38, chr5:138,824,683, plus strand): 5'-TGCCTACAGCACCCTGATGTCGCAGCCTATAAGGCCAACAGGGACCTGATATACAAGCAG[C>G]TGCAGCAGGCGGTCACAGGCATTTCCAATGCAGCCCAGGCCACTGCCTCAGACGATGCCT-3'
Protein context (NP_001894.2, residues 238-258): KANRDLIYKQ[Leu248Val]QQAVTGISNA